The following is an entry in ClinVar:

ClinVar aggregate classification (germline): Uncertain significance. Review status: criteria provided, multiple submitters, no conflicts (2 of 4 stars). 2 submissions from 2 submitters: Uncertain significance (2). Last evaluated 2023-11-13.

Allele frequency attached by ClinVar (database versions not stated): gnomAD exomes 0.00001; TOPMed 0.00002; gnomAD 0.00003; 1000 Genomes Project 0.00040; 1000 Genomes Project 30x 0.00047.
gnomAD v4.1: 12 of 1,526,390 alleles (0.00079%); highest among the groups gnomAD compares: East Asian, 0.012%; no homozygotes.

Submissions (2):

Labcorp Genetics (formerly Invitae), Labcorp
Classification: Uncertain significance. Last evaluated: 2023-11-13. Review status: criteria provided, single submitter. Criteria: Invitae Variant Classification Sherloc (09022015). Collection method: clinical testing. Allele origin: germline.
Comment: This sequence change replaces arginine, which is basic and polar, with cysteine, which is neutral and slightly polar, at codon 579 of the COL18A1 protein (p.Arg579Cys). This variant is present in population databases (rs547865863, gnomAD 0.02%). This variant has not been reported in the literature in individuals affected with COL18A1-related conditions. ClinVar contains an entry for this variant (Variation ID: 1988213). Experimental studies and prediction algorithms are not available or were not evaluated, and the functional significance of this variant is currently unknown. In summary, the available evidence is currently insufficient to determine the role of this variant in disease. Therefore, it has been classified as a Variant of Uncertain Significance.

Blueprint Genetics
Classification: Uncertain significance. Last evaluated: 2022-04-28. Review status: criteria provided, single submitter. Criteria: ACMG Guidelines, 2015. Collection method: clinical testing. Allele origin: germline.

NM_001379500.1(COL18A1):c.1735C>T (p.Arg579Cys)

Gene: COL18A1 (collagen type XVIII alpha 1 chain; plus strand). Cytogenetic location: 21q22.3.
Variant type: single nucleotide variant.
Coding change: c.1735C>T on transcript NM_001379500.1 (MANE Select); coding-DNA position 1735, C replaced by T.
Protein change: p.Arg579Cys; replaces arginine 579 with cysteine.
Molecular consequence: missense variant.
Genome position (GRCh38, 1-based): chr21:45,486,894, C>T. VCF-style: chr21-45486894-C-T. GRCh37 (hg19) VCF-style: chr21-46906808-C-T.
Other names: c.2275C>T, p.Arg759Cys (NM_030582.4); c.2980C>T, p.Arg994Cys (NM_130444.3); short protein forms R579C, R994C, R759C.
Identifiers: ClinVar variation 1988213 (VCV001988213.3), dbSNP rs547865863, ClinGen allele CA321918463.
Genomic context (GRCh38, chr21:45,486,894, plus strand): 5'-CTGACACGCTCTCCTCACCCCACGCAGGGGAGCAAGGGAGCCCCCGGTCCTGCTGGTGCT[C>T]GTGGGGAGAGCGGCCTGGCAGGAGCCCCCGGACCTGCTGGACCACCAGGCCCCCCTGGGC-3'
Protein context (NP_001366429.1, residues 569-589): SKGAPGPAGA[Arg579Cys]GESGLAGAPG